The following is an entry in ClinVar:

NM_001354712.2(THRB):c.*5367C>T

Gene: THRB (thyroid hormone receptor beta; minus strand). Cytogenetic location: 3p24.2.
Variant type: single nucleotide variant.
Coding change: c.*5367C>T on transcript NM_001354712.2 (MANE Select); 5367 bases downstream of the stop codon, C replaced by T.
Molecular consequence: 3 prime UTR variant.
Genome position (GRCh38, 1-based): chr3:24,117,517, G>A on the plus strand (C>T on the coding strand, the complement: THRB is on the minus strand). VCF-style: chr3-24117517-G-A. GRCh37 (hg19) VCF-style: chr3-24159008-G-A.
Other names: c.*5367C>T (NM_000461.5, NM_001128176.3, NM_001128177.2 and 8 more transcripts).
Identifiers: ClinVar variation 344537 (VCV000344537.6), dbSNP rs2167116, ClinGen allele CA10615506.

ClinVar aggregate classification (germline): Benign. Review status: criteria provided, multiple submitters, no conflicts (2 of 4 stars). 2 submissions from 2 submitters: Benign (2). Last evaluated 2018-01-12.

Conditions:
Thyroid hormone resistance, generalized, autosomal dominant (GRTHD). Also called: HYPERTHYROXINEMIA, FAMILIAL EUTHYROID, SECONDARY TO PITUITARY AND PERIPHERAL RESISTANCE TO THYROID HORMONES. Identifiers: MedGen C2937288, MONDO:0008569, OMIM 188570.

Allele frequency attached by ClinVar (database versions not stated): gnomAD exomes 0.08333; gnomAD 0.19008 and 0.19585; TOPMed 0.19868; 1000 Genomes Project 0.21446; 1000 Genomes Project 30x 0.21924.
gnomAD v4.1: 28,787 of 152,266 alleles (19%); highest among the groups gnomAD compares: African/African-American, 46%; 4,949 homozygotes.

Submissions (2):

Illumina Laboratory Services, Illumina
Classification: Benign for Thyroid hormone resistance, generalized, autosomal dominant. Last evaluated: 2018-01-12. Review status: criteria provided, single submitter. Criteria: ICSL Variant Classification Criteria 13 December 2019. Collection method: clinical testing. Allele origin: germline.
Comment: This variant was observed in the ICSL laboratory as part of a predisposition screen in an ostensibly healthy population. It had not been previously curated by ICSL or reported in the Human Gene Mutation Database (HGMD: prior to June 1st, 2018), and was therefore a candidate for classification through an automated scoring system. Utilizing variant allele frequency, disease prevalence and penetrance estimates, and inheritance mode, an automated score was calculated to assess if this variant is too frequent to cause the disease. Based on the score and internal cut-off values, a variant classified as benign is not then subjected to further curation. The score for this variant resulted in a classification of benign for this disease.

Breakthrough Genomics
Classification: Benign. Review status: criteria provided, single submitter. Criteria: ACMG Guidelines, 2015. Collection method: not provided. Allele origin: germline. Inheritance: Autosomal recessive inheritance. Affected: yes.